The following is an entry in ClinVar:

ClinVar aggregate classification (germline): Conflicting classifications of pathogenicity. Review status: criteria provided, conflicting classifications (1 of 4 stars). 3 submissions from 3 submitters: Likely pathogenic (1); Uncertain significance (2). Last evaluated 2025-05-31.

Conditions:
Developmental and epileptic encephalopathy, 31B. Also called: Developmental and epileptic encephalopathy 31B, autosomal recessive. Identifiers: MedGen C5830459, MONDO:0957248, OMIM 620352.
Developmental and epileptic encephalopathy, 31A. Also called: Epileptic encephalopathy, early infantile, 31; Developmental and epileptic encephalopathy, 31. Identifiers: Orphanet 2382, MedGen C4225357, MONDO:0014598, OMIM 616346.

gnomAD v4.1: 1 of 1,569,316 alleles (0.000064%); highest among the groups gnomAD compares: Non-Finnish European, 0.000086%; no homozygotes.

Submissions (3):

GeneDx
Classification: Likely pathogenic. Last evaluated: 2025-05-31. Review status: criteria provided, single submitter. Criteria: GeneDx Variant Classification Process June 2021. Collection method: clinical testing. Allele origin: germline. Affected: yes.
Comment: Not observed at significant frequency in large population cohorts (gnomAD); In silico analysis supports that this missense variant has a deleterious effect on protein structure/function; Has not been previously published as pathogenic or benign to our knowledge

Fulgent Genetics
Classification: Uncertain significance for Developmental and epileptic encephalopathy, 31A; Developmental and epileptic encephalopathy, 31B. Last evaluated: 2024-04-04. Review status: criteria provided, single submitter. Criteria: ACMG Guidelines, 2015. Collection method: clinical testing. Allele origin: germline.

Blueprint Genetics
Classification: Uncertain significance. Last evaluated: 2023-04-13. Review status: criteria provided, single submitter. Criteria: ACMG Guidelines, 2015. Collection method: clinical testing. Allele origin: germline.

NM_004408.4(DNM1):c.1402G>A (p.Glu468Lys)

Gene: DNM1 (dynamin 1; plus strand). Cytogenetic location: 9q34.11.
Variant type: single nucleotide variant.
Coding change: c.1402G>A on transcript NM_004408.4 (MANE Select); coding-DNA position 1402, G replaced by A.
Protein change: p.Glu468Lys; replaces glutamic acid 468 with lysine.
Molecular consequence: missense variant.
Genome position (GRCh38, 1-based): chr9:128,234,087, G>A. VCF-style: chr9-128234087-G-A. GRCh37 (hg19) VCF-style: chr9-130996366-G-A.
Other names: c.1402G>A, p.Glu468Lys (NM_001288739.2, NM_001374269.1, NM_001005336.3 and 2 more transcripts); c.1402G>A (NM_004408.3); short protein forms E468K.
Identifiers: ClinVar variation 3596459 (VCV003596459.3).